The following is an entry in ClinVar:

NM_004304.5(ALK):c.117G>C (p.Gln39His)

Gene: ALK (ALK receptor tyrosine kinase; minus strand). Cytogenetic location: 2p23.1.
Variant type: single nucleotide variant.
Coding change: c.117G>C on transcript NM_004304.5 (MANE Select); coding-DNA position 117, G replaced by C.
Protein change: p.Gln39His; replaces glutamine 39 with histidine.
Molecular consequence: missense variant.
Genome position (GRCh38, 1-based): chr2:29,920,543, C>G on the plus strand (G>C on the coding strand, the complement: ALK is on the minus strand). VCF-style: chr2-29920543-C-G. GRCh37 (hg19) VCF-style: chr2-30143409-C-G.
Other names: short protein forms Q39H.
Identifiers: ClinVar variation 3855262 (VCV003855262.1).
Genomic context (GRCh38, chr2:29,920,543, plus strand): 5'-CACGAAGTCAACTGCCAGACTCTTCCTCTGCAGGCGCGAGTAGCTGAGTGGCTCCCGGGG[C>G]TGCAGCGGCGGCCCCGCAGCTGGGGAGCCCGCGCGCTGGCCGGTCCCCATCCCGGAGCCC-3'
Protein context (NP_004295.2, residues 29-49): AGSPAAGPPL[Gln39His]PREPLSYSRL

ClinVar aggregate classification (germline): Uncertain significance (1 of 4 stars; one submission).

Conditions:
Hereditary cancer-predisposing syndrome. Also called: Hereditary neoplastic syndrome; Neoplastic Syndromes, Hereditary; Tumor predisposition; Hereditary Cancer Syndrome. Identifiers: Orphanet 140162, MedGen C0027672, MeSH D009386, MONDO:0015356.

Submission:

Ambry Genetics
Classification: Uncertain significance for Hereditary cancer-predisposing syndrome. Last evaluated: 2025-01-07. Review status: criteria provided, single submitter. Criteria: Ambry Variant Classification Scheme 2023. Collection method: clinical testing. Allele origin: germline.
Comment: The p.Q39H variant (also known as c.117G>C), located in coding exon 1 of the ALK gene, results from a G to C substitution at nucleotide position 117. The glutamine at codon 39 is replaced by histidine, an amino acid with highly similar properties. This amino acid position is conserved. In addition, this alteration is predicted to be tolerated by in silico analysis. Based on the available evidence, the clinical significance of this variant remains unclear.